The following is an entry in ClinVar:

ClinVar aggregate classification (germline): Pathogenic. Review status: criteria provided, multiple submitters, no conflicts (2 of 4 stars). 5 submissions from 5 submitters: Pathogenic (4). 1 of the submissions does not count toward it. Last evaluated 2026-01-21.

Conditions:
6-Pyruvoyl-tetrahydrobiopterin synthase deficiency. Also called: 6-Pyruvoyltetrahydropterin Synthase Deficiency; PTS DEFICIENCY; HYPERPHENYLALANINEMIA, TETRAHYDROBIOPTERIN-DEFICIENT, DUE TO PTS DEFICIENCY; PTS-Related Tetrahydrobiopterin Deficiency; BH4-deficient hyperphenylalaninemia A; Hyperphenylalanemia, BH4-deficient, A. Identifiers: Orphanet 13, Orphanet 238583, MedGen C0878676, MONDO:0009863, OMIM 261640.

Submissions (5):

Natera, Inc.
Classification: Pathogenic for 6-Pyruvoyl-tetrahydrobiopterin synthase deficiency. Last evaluated: 2026-01-21. Review status: criteria provided, single submitter. Criteria: Natera Variant Classification Schema (03/2026). Collection method: clinical testing. Allele origin: germline.
Comment: The c.393delA variant in PTS is a frameshift variant predicted to elongate the protein beyond the termination codon. This variant is expected to result in nonsense mediated decay, truncation, or a dysfunctional protein product. This variant is rare in the general population with a frequency below the threshold expected for the associated phenotype(s). This variant has been observed in one or more individuals affected with the associated recessive disease, as either homozygous or compound heterozygous with a second variant (PMID: 2968534, 20059486, 21542064). Given the available evidence, this variant is classified as Pathogenic.

Labcorp Genetics (formerly Invitae), Labcorp
Classification: Pathogenic for 6-Pyruvoyl-tetrahydrobiopterin synthase deficiency. Last evaluated: 2026-01-06. Review status: criteria provided, single submitter. Criteria: Invitae Variant Classification Sherloc (09022015). Collection method: clinical testing. Allele origin: germline.
Comment: This sequence change is expected to alter the c-terminus of the PTS protein (p.Val132Tyrfs*19). While this is not anticipated to result in nonsense mediated decay, it is expected to disrupt the last 14 amino acid(s) of the PTS protein and extend the protein by 4 additional amino acid residues. This variant is present in population databases (rs780332520, gnomAD 0.006%). This frameshift has been observed in individual(s) with biopterin-deficient hyperphenylalaninemia (PMID: 19280650, 20059486). ClinVar contains an entry for this variant (Variation ID: 556173). Algorithms developed to predict the effect of sequence changes on RNA splicing suggest that this variant may create or strengthen a splice site. For these reasons, this variant has been classified as Pathogenic.

Revvity Omics, Revvity
Classification: Pathogenic for 6-Pyruvoyl-tetrahydrobiopterin synthase deficiency. Last evaluated: 2024-02-28. Review status: criteria provided, single submitter. Criteria: ACMG Guidelines, 2015. Collection method: clinical testing. Allele origin: germline.

Genome-Nilou Lab
Classification: Pathogenic for 6-Pyruvoyl-tetrahydrobiopterin synthase deficiency. Last evaluated: 2021-09-05. Review status: criteria provided, single submitter. Criteria: ACMG Guidelines, 2015. Collection method: clinical testing. Allele origin: germline. Affected: no.

Counsyl
Classification: Likely pathogenic for 6-Pyruvoyl-tetrahydrobiopterin synthase deficiency. Last evaluated: 2018-01-16. Review status: no assertion criteria provided. Collection method: clinical testing. Allele origin: unknown. Not counted in ClinVar's aggregate classification.

Literature cited by the submitters: PubMed 2968534 (cited by Natera, Inc.); PubMed 20059486 (cited by 3 submitters); PubMed 21542064 (cited by Natera, Inc.); PubMed 19280650 (cited by Labcorp Genetics (formerly Invitae), Labcorp and Counsyl).

NM_000317.3(PTS):c.393del (p.Val132fs)

Gene: PTS (6-pyruvoyltetrahydropterin synthase; plus strand). Cytogenetic location: 11q23.1.
Variant type: Deletion.
Coding change: c.393del on transcript NM_000317.3 (MANE Select); coding-DNA position 393, one base deleted (A; older notation c.393delA).
Protein change: p.Val132fs; shifts the reading frame from valine 132.
Molecular consequence: frameshift variant.
Genome position (GRCh38, 1-based): chr11:112,233,510, A deleted; the last of 4 consecutive A bases (chr11:112,233,507-112,233,510); deleting any one gives the same sequence. VCF-style (leftmost placement, unchanged base first): chr11-112233506-TA-T. GRCh37 (hg19) VCF-style: chr11-112104229-TA-T.
Other names: c.393del (NM_000317.2); short protein forms V132fs.
Identifiers: ClinVar variation 556173 (VCV000556173.20), dbSNP rs780332520, ClinGen allele CA6278594.